The following is an entry in ClinVar:

ClinVar aggregate classification (germline): Conflicting classifications of pathogenicity. Review status: criteria provided, conflicting classifications (1 of 4 stars). 2 submissions from 2 submitters: Likely pathogenic (1); Uncertain significance (1). Last evaluated 2024-04-18.

Conditions:
Inborn genetic diseases. Identifiers: MedGen C0950123, MeSH D030342.
Mitochondrial disease. Also called: Mitochondrial disorder; Mitochondrial disorders. Identifiers: Orphanet 68380, MedGen C0751651, MeSH D028361, MONDO:0044970.

Submissions (2):

Ambry Genetics
Classification: Likely pathogenic for Inborn genetic diseases. Last evaluated: 2024-04-18. Review status: criteria provided, single submitter. Criteria: Ambry Variant Classification Scheme 2023. Collection method: clinical testing. Allele origin: germline.
Comment: The c.326T>C (p.L109S) alteration is located in exon 5 (coding exon 4) of the ATP5F1A gene. This alteration results from a T to C substitution at nucleotide position 326, causing the leucine (L) at amino acid position 109 to be replaced by a serine (S). for autosomal dominant ATP5F1A-related mitochondrial complex V deficiency; however, its clinical significance for autosomal recessive ATP5F1A-related mitochondrial complex V deficiency is uncertain This variant was not reported in population-based cohorts in the Genome Aggregation Database (gnomAD). This amino acid position is highly conserved in available vertebrate species. This alteration is predicted to be deleterious by in silico analysis. Based on the available evidence, this alteration is classified as likely pathogenic.

Illumina Laboratory Services, Illumina
Classification: Uncertain significance for Mitochondrial disease. Last evaluated: 2023-02-06. Review status: criteria provided, single submitter. Criteria: ICSLVariantClassificationCriteria RUGD 01 April 2020. Collection method: clinical testing. Allele origin: unknown.
Comment: The ATPF51A c.326T>C (p.Leu109Ser) missense variant results in the substitution of leucine at amino acid position 109 with serine. To our knowledge, this variant has not been reported in the peer-reviewed literature. This variant is not found in version 2.1.1 or version 3.1.2 of the Genome Aggregation Database. Multiple lines of computational evidence suggest the variant may have a deleterious effect on the gene or gene product. This variant was identified in a de novo state. Based on the available evidence, the c.326T>C (p.Leu109Ser) variant is classified as a variant of uncertain significance for primary mitochondrial disease.

NM_004046.6(ATP5F1A):c.326T>C (p.Leu109Ser)

Gene: ATP5F1A (ATP synthase F1 subunit alpha; minus strand). Cytogenetic location: 18q21.1.
Variant type: single nucleotide variant.
Coding change: c.326T>C on transcript NM_004046.6 (MANE Select); coding-DNA position 326, T replaced by C.
Protein change: p.Leu109Ser; replaces leucine 109 with serine.
Molecular consequence: missense variant.
Genome position (GRCh38, 1-based): chr18:46,089,980, A>G on the plus strand (T>C on the coding strand, the complement: ATP5F1A is on the minus strand). VCF-style: chr18-46089980-A-G. GRCh37 (hg19) VCF-style: chr18-43669946-A-G.
Other names: c.176T>C, p.Leu59Ser (NM_001001935.3, NM_001257335.2); c.326T>C, p.Leu109Ser (NM_001001937.2, NM_001257334.2); c.326T>C (NM_001001937.1); short protein forms L109S, L59S.
Identifiers: ClinVar variation 2580224 (VCV002580224.2), dbSNP rs2512310700, ClinGen allele CA402357909.
Genomic context (GRCh38, chr18:46,089,980, plus strand): 5'-TCTCCTTCCTTAATTAGTTTATCATTTCCAAACACGACAACACCAACATTGTCAGGTTCC[A>G]AGTTCAAGGACATACCCTGCACAAAAGACACAATTGAACATCAATGAAGCTGAATGGGCA-3'
Protein context (NP_004037.1, residues 99-119): SSGLKGMSLN[Leu109Ser]EPDNVGVVVF